The following is an entry in ClinVar:

NM_001114753.3(ENG):c.107del (p.Gly36fs)

Gene: ENG (endoglin; minus strand). Cytogenetic location: 9q34.11.
Variant type: Deletion.
Coding change: c.107del on transcript NM_001114753.3 (MANE Select); coding-DNA position 107, one base deleted (G; older notation c.107delG).
Protein change: p.Gly36fs; shifts the reading frame from glycine 36.
Molecular consequence: frameshift variant. On other transcripts: 5 prime UTR variant (1).
Genome position (GRCh38, 1-based): chr9:127,843,206, C deleted on the plus strand (G on the coding strand, the reverse complement: ENG is on the minus strand); the first of 3 consecutive C bases (chr9:127,843,206-127,843,208); deleting any one gives the same sequence. VCF-style (leftmost placement, unchanged base first): chr9-127843205-GC-G. GRCh37 (hg19) VCF-style: chr9-130605484-GC-G.
Other names: c.107del, p.Gly36fs (NM_000118.4, NM_001406715.1); c.-440del (NM_001278138.2); short protein forms G36fs.
Identifiers: ClinVar variation 4744926 (VCV004744926.1).

ClinVar aggregate classification (germline): Pathogenic (1 of 4 stars; one submission).

Conditions:
Hereditary hemorrhagic telangiectasia (HHT). Also called: ORW DISEASE; Osler Weber Rendu syndrome; OSLER-RENDU-WEBER DISEASE; Osler hemorrhagic telangiectasia syndrome. Identifiers: Orphanet 774, MedGen C0039445, MONDO:0019180. Disease mechanism: loss of function.

Submission:

Labcorp Genetics (formerly Invitae), Labcorp
Classification: Pathogenic for Hereditary hemorrhagic telangiectasia. Last evaluated: 2025-12-10. Review status: criteria provided, single submitter. Criteria: Invitae Variant Classification Sherloc (09022015). Collection method: clinical testing. Allele origin: germline.
Comment: This sequence change creates a premature translational stop signal (p.Gly36Alafs*7) in the ENG gene. It is expected to result in an absent or disrupted protein product. Loss-of-function variants in ENG are known to be pathogenic (PMID: 15879500). This variant is not present in population databases (gnomAD no frequency). This premature translational stop signal has been observed in individual(s) with hereditary hemorrhagic telangiectasia (PMID: 15880681). For these reasons, this variant has been classified as Pathogenic.

Literature cited by the submitters: PubMed 15879500; PubMed 15880681.